The following is an entry in ClinVar:

NM_001329943.3(KIAA0586):c.193T>C (p.Ser65Pro)

Gene: KIAA0586 (KIAA0586; plus strand). Cytogenetic location: 14q23.1.
Variant type: single nucleotide variant.
Coding change: c.193T>C on transcript NM_001329943.3 (MANE Select); coding-DNA position 193, T replaced by C.
Protein change: p.Ser65Pro; replaces serine 65 with proline.
Molecular consequence: missense variant. On other transcripts: intron variant (5).
Genome position (GRCh38, 1-based): chr14:58,428,457, T>C. VCF-style: chr14-58428457-T-C. GRCh37 (hg19) VCF-style: chr14-58895175-T-C.
Other names: c.193T>C (NM_014749.3); c.229T>C, p.Ser77Pro (NM_001244189.2); c.148T>C, p.Ser50Pro (NM_001244190.2); c.193T>C, p.Ser65Pro (NM_001329944.2, NM_001329946.2, NM_001329947.2 and 1 more transcripts); c.-57+820T>C (NM_001244192.2, NM_001244191.2); c.-57+644T>C (NM_001364701.2, NM_001329945.2, NM_001364700.1); short protein forms S50P, S65P, S77P.
Identifiers: ClinVar variation 1393080 (VCV001393080.6), dbSNP rs1473572852, ClinGen allele CA389859322.

ClinVar aggregate classification (germline): Uncertain significance. Review status: criteria provided, multiple submitters, no conflicts (2 of 4 stars). 2 submissions from 2 submitters: Uncertain significance (2). Last evaluated 2025-04-24.

Conditions:
Joubert syndrome 23 (JBTS23). Identifiers: Orphanet 475, MedGen C4084822, MONDO:0014664, OMIM 616490.
Short-rib thoracic dysplasia 14 with polydactyly (SRTD14). Identifiers: Orphanet 397715, MedGen C4225286, MONDO:0014688, OMIM 616546.
Inborn genetic diseases. Identifiers: MedGen C0950123, MeSH D030342.

Allele frequency attached by ClinVar (database versions not stated): gnomAD exomes below 0.00001; TOPMed 0.00001.

Submissions (2):

Ambry Genetics
Classification: Uncertain significance for Inborn genetic diseases. Last evaluated: 2025-04-24. Review status: criteria provided, single submitter. Criteria: Ambry Variant Classification Scheme 2023. Collection method: clinical testing. Allele origin: germline.

Labcorp Genetics (formerly Invitae), Labcorp
Classification: Uncertain significance for Joubert syndrome 23; Short-rib thoracic dysplasia 14 with polydactyly. Last evaluated: 2024-10-23. Review status: criteria provided, single submitter. Criteria: Invitae Variant Classification Sherloc (09022015). Collection method: clinical testing. Allele origin: germline.
Comment: This sequence change replaces serine, which is neutral and polar, with proline, which is neutral and non-polar, at codon 77 of the KIAA0586 protein (p.Ser77Pro). This variant is not present in population databases (gnomAD no frequency). This variant has not been reported in the literature in individuals affected with KIAA0586-related conditions. ClinVar contains an entry for this variant (Variation ID: 1393080). An algorithm developed to predict the effect of missense changes on protein structure and function (PolyPhen-2) suggests that this variant is likely to be disruptive. In summary, the available evidence is currently insufficient to determine the role of this variant in disease. Therefore, it has been classified as a Variant of Uncertain Significance.